The following is an entry in ClinVar:

NM_001267550.2(TTN):c.7881A>G (p.Thr2627=)

Gene: TTN (titin; minus strand). Cytogenetic location: 2q31.2.
Variant type: single nucleotide variant.
Coding change: c.7881A>G on transcript NM_001267550.2 (MANE Select); coding-DNA position 7881, A replaced by G.
Protein change: p.Thr2627=; no amino-acid change (threonine 2627 retained).
Molecular consequence: synonymous variant.
Genome position (GRCh38, 1-based): chr2:178,771,446, T>C on the plus strand (A>G on the coding strand, the complement: TTN is on the minus strand). VCF-style: chr2-178771446-T-C. GRCh37 (hg19) VCF-style: chr2-179636173-T-C.
Other names: c.7881A>G, p.Thr2627= (NM_001256850.1, NM_133378.4, NM_133379.5); c.7743A>G, p.Thr2581= (NM_003319.4, NM_133432.3, NM_133437.4).
Identifiers: ClinVar variation 703064 (VCV000703064.19), dbSNP rs73973146, ClinGen allele CA2004721.
Genomic context (GRCh38, chr2:178,771,446, plus strand): 5'-ATCTGGGTTGGCAACTTCACATTCAAACACAGCTTCCTGGGATTCAGCTACGGTCTGATC[T>C]GTGAGTGGCTTGGAGATGGCCCCACCTTTGGAACAAGAGATGTACAGTATGAGTCCTTTA-3'
Protein context (NP_001254479.2, residues 2617-2637): VAGGAISKPL[Thr2627=]DQTVAESQEA

ClinVar aggregate classification (germline): Likely benign. Review status: criteria provided, multiple submitters, no conflicts (2 of 4 stars). 5 submissions from 5 submitters: Likely benign (5). Last evaluated 2025-12-22.

Conditions:
Cardiovascular phenotype. Identifiers: MedGen CN230736.
Autosomal recessive limb-girdle muscular dystrophy type 2J (LGMDR10). Also called: MUSCULAR DYSTROPHY, LIMB-GIRDLE, AUTOSOMAL RECESSIVE 10; Limb-girdle muscular dystrophy, type 2J. Identifiers: Orphanet 140922, MedGen C1837342, MONDO:0012127, OMIM 608807.
Dilated cardiomyopathy 1G (CMD1G). Identifiers: Orphanet 154, MedGen C1858763, MONDO:0011400, OMIM 604145.

Allele frequency attached by ClinVar (database versions not stated): gnomAD exomes below 0.00001 and 0.00001; ExAC 0.00002; TOPMed 0.00008; gnomAD 0.00009 and 0.00010; 1000 Genomes Project 0.00020; ESP Exome Variant Server 0.00023; 1000 Genomes Project 30x 0.00031.
gnomAD v4.1: 19 of 1,613,956 alleles (0.0012%); highest among the groups gnomAD compares: African/African-American, 0.025%; no homozygotes.

Submissions (5):

Labcorp Genetics (formerly Invitae), Labcorp
Classification: Likely benign for Dilated cardiomyopathy 1G; Autosomal recessive limb-girdle muscular dystrophy type 2J. Last evaluated: 2025-12-22. Review status: criteria provided, single submitter. Criteria: Invitae Variant Classification Sherloc (09022015). Collection method: clinical testing. Allele origin: germline.

Women's Health and Genetics/Laboratory Corporation of America, LabCorp
Classification: Likely benign. Last evaluated: 2024-12-09. Review status: criteria provided, single submitter. Criteria: LabCorp Variant Classification Summary - May 2015. Collection method: clinical testing. Allele origin: germline.

Blueprint Genetics
Classification: Likely benign. Last evaluated: 2023-03-31. Review status: criteria provided, single submitter. Criteria: ACMG Guidelines, 2015. Collection method: clinical testing. Allele origin: germline.

Ambry Genetics
Classification: Likely benign for Cardiovascular phenotype. Last evaluated: 2022-03-15. Review status: criteria provided, single submitter. Criteria: Ambry Variant Classification Scheme 2023. Collection method: clinical testing. Allele origin: germline.

GeneDx
Classification: Likely benign. Last evaluated: 2021-09-13. Review status: criteria provided, single submitter. Criteria: GeneDx Variant Classification Process June 2021. Collection method: clinical testing. Allele origin: germline. Affected: yes.
Comment: This variant is associated with the following publications: (PMID: 26582918)

Literature cited by the submitters: PubMed 21572417 (cited by Ambry Genetics).